The following is an entry in ClinVar:

NM_001972.4(ELANE):c.296_300dup (p.Val101fs)

Gene: ELANE (elastase, neutrophil expressed; plus strand). Cytogenetic location: 19p13.3.
Variant type: Duplication.
Coding change: c.296_300dup on transcript NM_001972.4 (MANE Select); coding-DNA positions 296 to 300, 5 bases duplicated (TCGCC; older notation c.296_300dupTCGCC).
Protein change: p.Val101fs; shifts the reading frame from valine 101.
Molecular consequence: frameshift variant.
Genome position (GRCh38, 1-based): chr19:853,333-853,337, TCGCC duplicated. VCF-style (leftmost placement, unchanged base first): chr19-853332-T-TTCGCC. GRCh37 (hg19) VCF-style: chr19-853332-T-TTCGCC.
Other names: short protein forms V101fs.
Identifiers: ClinVar variation 4791009 (VCV004791009.1).

ClinVar aggregate classification (germline): Uncertain significance (1 of 4 stars; one submission).

Conditions:
Neutropenia, severe congenital, 1, autosomal dominant. Identifiers: MedGen C1859966, MONDO:0042490, OMIM 202700.
Cyclical neutropenia. Also called: Cyclic hematopoiesis; Cyclic Neutropenia. Identifiers: Orphanet 2686, MedGen C0221023, MONDO:0008090, OMIM 162800, HP:0040289. Disease mechanism: loss of function.

Submission:

Labcorp Genetics (formerly Invitae), Labcorp
Classification: Uncertain significance for Neutropenia, severe congenital, 1, autosomal dominant; Cyclical neutropenia. Last evaluated: 2025-04-17. Review status: criteria provided, single submitter. Criteria: Invitae Variant Classification Sherloc (09022015). Collection method: clinical testing. Allele origin: germline.
Comment: This sequence change creates a premature translational stop signal (p.Val101Serfs*14) in the ELANE gene. It is expected to result in an absent or disrupted protein product. However, the current clinical and genetic evidence is not sufficient to establish whether loss-of-function variants in ELANE cause disease. This variant is not present in population databases (gnomAD no frequency). This variant has not been reported in the literature in individuals affected with ELANE-related conditions. In summary, the available evidence is currently insufficient to determine the role of this variant in disease. Therefore, it has been classified as a Variant of Uncertain Significance.